The following is an entry in ClinVar:

ClinVar aggregate classification (germline): Uncertain significance (1 of 4 stars; one submission).

gnomAD v4.1: 6 of 1,610,012 alleles (0.00037%); highest among the groups gnomAD compares: Non-Finnish European, 0.00051%; no homozygotes.

Submission:

Labcorp Genetics (formerly Invitae), Labcorp
Classification: Uncertain significance. Last evaluated: 2024-11-05. Review status: criteria provided, single submitter. Criteria: Invitae Variant Classification Sherloc (09022015). Collection method: clinical testing. Allele origin: germline.
Comment: This sequence change replaces methionine, which is neutral and non-polar, with isoleucine, which is neutral and non-polar, at codon 317 of the GCKR protein (p.Met317Ile). This variant is not present in population databases (gnomAD no frequency). This missense change has been observed in individual(s) with dyslipidemia (PMID: 36325899). Invitae Evidence Modeling of protein sequence and biophysical properties (such as structural, functional, and spatial information, amino acid conservation, physicochemical variation, residue mobility, and thermodynamic stability) indicates that this missense variant is not expected to disrupt GCKR protein function with a negative predictive value of 80%. Algorithms developed to predict the effect of sequence changes on RNA splicing suggest that this variant may disrupt the consensus splice site. In summary, the available evidence is currently insufficient to determine the role of this variant in disease. Therefore, it has been classified as a Variant of Uncertain Significance.

Literature cited by the submitters: PubMed 36325899.

NM_001486.4(GCKR):c.951G>A (p.Met317Ile)

Gene: GCKR (glucokinase regulator; plus strand). Cytogenetic location: 2p23.3.
Variant type: single nucleotide variant.
Coding change: c.951G>A on transcript NM_001486.4 (MANE Select); coding-DNA position 951, G replaced by A.
Protein change: p.Met317Ile; replaces methionine 317 with isoleucine.
Molecular consequence: missense variant.
Genome position (GRCh38, 1-based): chr2:27,506,562, G>A. VCF-style: chr2-27506562-G-A. GRCh37 (hg19) VCF-style: chr2-27729429-G-A.
Other names: short protein forms M317I.
Identifiers: ClinVar variation 3622732 (VCV003622732.2).